The following is an entry in ClinVar:

NM_001163435.3(TBCK):c.538_568del (p.Pro180fs)

Gene: TBCK (TBC1 domain containing kinase; minus strand). Cytogenetic location: 4q24.
Variant type: Deletion.
Coding change: c.538_568del on transcript NM_001163435.3 (MANE Select); coding-DNA positions 538 to 568, 31 bases deleted.
Protein change: p.Pro180fs; shifts the reading frame from proline 180.
Molecular consequence: frameshift variant. On other transcripts: intron variant (1).
Genome position (GRCh38, 1-based): chr4:106,251,895-106,251,925, 31 bases deleted. GRCh37 (hg19): chr4:107,173,052-107,173,082.
Other names: NM_001163435.3(TBCK):c.538_568del; p.Pro180fs; c.538_568del, p.Pro180fs (NM_001163436.4); c.22_52del, p.Pro8fs (NM_001290768.2); c.349_379del, p.Pro117fs (NM_033115.5); c.480+58_480+88del (NM_001163437.3); short protein forms P8fs, P117fs, P180fs.
Identifiers: ClinVar variation 2059019 (VCV002059019.5), dbSNP rs1761469644, ClinGen allele CA1066379662.
Genomic context (GRCh38, chr4:106,251,894, plus strand): 5'-CTTTTATTATATTAATATTTCTTTATACATACCACACAAAGCTCAAATAAAATGATTCCA[AGAGACCATACATCTGATTTGGGGCCAGAAGG>A]CAATGGTTTTTTACTTGGCATGTGATCAGTGGTTTTGAAAATTCCCTGTGCAATTACCTC-3'

ClinVar aggregate classification (germline): Pathogenic/Likely pathogenic. Review status: criteria provided, multiple submitters, no conflicts (2 of 4 stars). 2 submissions from 2 submitters: Pathogenic (1); Likely pathogenic (1). Last evaluated 2025-01-15.

Conditions:
Hypotonia, infantile, with psychomotor retardation and characteristic facies 3 (IHPRF3). Also called: TBCK-Related Neurodevelopmental Disorder. Identifiers: Orphanet 488632, MedGen C5567480, MONDO:0014823, OMIM 616900.

Allele frequency attached by ClinVar (database versions not stated): gnomAD 0.00001.

Submissions (2):

Broad Center for Mendelian Genomics, Broad Institute of MIT and Harvard
Classification: Likely pathogenic for Hypotonia, infantile, with psychomotor retardation and characteristic facies 3. Last evaluated: 2025-01-15. Review status: criteria provided, single submitter. Criteria: ACMG Guidelines, 2015. Collection method: curation. Allele origin: germline. Inheritance: Autosomal recessive inheritance.
Comment: The p.Pro180LeufsTer24 variant in TBCK has not been previously reported in the literature in individuals with TBCK-related intellectual disability syndrome, but has been identified in 0.002% (1/59744) of Admixed American chromosomes by the Genome Aggregation Database (gnomAD; dbSNP rs1761469644). Although this variant has been seen in the general population in a heterozygous state, its frequency is low enough to be consistent with a recessive carrier frequency. This variant has also been reported in ClinVar (Variation ID: 2059019) and has been interpreted as pathogenic by Invitae. This variant is predicted to cause a frameshift, which alters the protein‚Äôs amino acid sequence beginning at position 180 and leads to a premature termination codon 24 amino acids downstream. This alteration is then predicted to lead to a truncated or absent protein. Loss of function of the TBCK gene is an established disease mechanism in autosomal recessive TBCK-related intellectual disability syndrome. In summary, although additional studies are required to fully establish its clinical significance, this variant is likely pathogenic for autosomal recessive TBCK-related intellectual disability syndrome. ACMG/AMP Criteria applied: PVS1, PM2_supporting (Richards 2015).

Labcorp Genetics (formerly Invitae), Labcorp
Classification: Pathogenic. Last evaluated: 2023-08-17. Review status: criteria provided, single submitter. Criteria: Invitae Variant Classification Sherloc (09022015). Collection method: clinical testing. Allele origin: germline.
Comment: For these reasons, this variant has been classified as Pathogenic. ClinVar contains an entry for this variant (Variation ID: 2059019). This variant has not been reported in the literature in individuals affected with TBCK-related conditions. This variant is not present in population databases (gnomAD no frequency). This sequence change creates a premature translational stop signal (p.Pro180Leufs*24) in the TBCK gene. It is expected to result in an absent or disrupted protein product. Loss-of-function variants in TBCK are known to be pathogenic (PMID: 27040692, 30103036).

Literature cited by the submitters: PubMed 27040692 (cited by Labcorp Genetics (formerly Invitae), Labcorp); PubMed 30103036 (cited by Labcorp Genetics (formerly Invitae), Labcorp).